The following is an entry in ClinVar:

NM_080473.5(GATA5):c.577G>A (p.Gly193Arg)

Gene: GATA5 (GATA binding protein 5; minus strand). Cytogenetic location: 20q13.33.
Variant type: single nucleotide variant.
Coding change: c.577G>A on transcript NM_080473.5 (MANE Select); coding-DNA position 577, G replaced by A.
Protein change: p.Gly193Arg; replaces glycine 193 with arginine.
Molecular consequence: missense variant.
Genome position (GRCh38, 1-based): chr20:62,473,525, C>T on the plus strand (G>A on the coding strand, the complement: GATA5 is on the minus strand). VCF-style: chr20-62473525-C-T. GRCh37 (hg19) VCF-style: chr20-61048581-C-T.
Other names: short protein forms G193R.
Identifiers: ClinVar variation 2784161 (VCV002784161.3), dbSNP rs782105775, ClinGen allele CA9946277.
Genomic context (GRCh38, chr20:62,473,525, plus strand): 5'-AGGCATTGCACAGGTAGTGGCCGGTGCCGTCTCGGCGCCACAGCGGTGTGGACAGGGCCC[C>T]GCAGTTGACACACTCACGACCCTCACCCGGGAACTCCTCCAAGAAGTCGGACACTGAGGG-3'
Protein context (NP_536721.1, residues 183-203): PGEGRECVNC[Gly193Arg]ALSTPLWRRD

ClinVar aggregate classification (germline): Uncertain significance (1 of 4 stars; one submission).

Allele frequency attached by ClinVar (database versions not stated): gnomAD 0.00001; TOPMed 0.00002; ExAC 0.00003.
gnomAD v4.1: 22 of 1,607,476 alleles (0.0014%); highest among the groups gnomAD compares: South Asian, 0.0056%; no homozygotes.

Submission:

Labcorp Genetics (formerly Invitae), Labcorp
Classification: Uncertain significance. Last evaluated: 2023-10-18. Review status: criteria provided, single submitter. Criteria: Invitae Variant Classification Sherloc (09022015). Collection method: clinical testing. Allele origin: germline.
Comment: This sequence change replaces glycine, which is neutral and non-polar, with arginine, which is basic and polar, at codon 193 of the GATA5 protein (p.Gly193Arg). This variant is present in population databases (rs782105775, gnomAD 0.01%). This variant has not been reported in the literature in individuals affected with GATA5-related conditions. Advanced modeling of protein sequence and biophysical properties (such as structural, functional, and spatial information, amino acid conservation, physicochemical variation, residue mobility, and thermodynamic stability) performed at Invitae indicates that this missense variant is expected to disrupt GATA5 protein function. Algorithms developed to predict the effect of sequence changes on RNA splicing suggest that this variant may create or strengthen a splice site. In summary, the available evidence is currently insufficient to determine the role of this variant in disease. Therefore, it has been classified as a Variant of Uncertain Significance.